The following is an entry in ClinVar:

NM_000891.3(KCNJ2):c.1139T>G (p.Val380Gly)

Gene: KCNJ2 (potassium inwardly rectifying channel subfamily J member 2; plus strand). Cytogenetic location: 17q24.3.
Variant type: single nucleotide variant.
Coding change: c.1139T>G on transcript NM_000891.3 (MANE Select); coding-DNA position 1139, T replaced by G.
Protein change: p.Val380Gly; replaces valine 380 with glycine.
Molecular consequence: missense variant.
Genome position (GRCh38, 1-based): chr17:70,176,178, T>G. VCF-style: chr17-70176178-T-G. GRCh37 (hg19) VCF-style: chr17-68172319-T-G.
Other names: short protein forms V380G.
Identifiers: ClinVar variation 5022998 (VCV005022998.1).
Genomic context (GRCh38, chr17:70,176,178, plus strand): 5'-ACTTAGCAGAAAAGAAATATATCCTCTCAAATGCAAATTCATTTTGCTATGAAAATGAAG[T>G]TGCCCTCACAAGCAAAGAGGAAGACGACAGTGAAAATGGAGTTCCAGAAAGCACTAGTAC-3'
Protein context (NP_000882.1, residues 370-390): NANSFCYENE[Val380Gly]ALTSKEEDDS

ClinVar aggregate classification (germline): Uncertain significance (1 of 4 stars; one submission).

Conditions:
Cardiovascular phenotype. Identifiers: MedGen CN230736.

Submission:

Ambry Genetics
Classification: Uncertain significance for Cardiovascular phenotype. Last evaluated: 2026-06-22. Review status: criteria provided, single submitter. Criteria: Ambry Variant Classification Scheme 2023. Collection method: clinical testing. Allele origin: germline.
Comment: The p.V380G variant (also known as c.1139T>G), located in coding exon 1 of the KCNJ2 gene, results from a T to G substitution at nucleotide position 1139. The valine at codon 380 is replaced by glycine, an amino acid with dissimilar properties. This amino acid position is conserved. In addition, this alteration is predicted to be deleterious by in silico analysis. Based on the available evidence, the clinical significance of this variant remains unclear.